The following is an entry in ClinVar:

NM_004970.3(IGFALS):c.872G>A (p.Gly291Asp)

Gene: IGFALS (insulin like growth factor binding protein acid labile subunit; minus strand). Cytogenetic location: 16p13.3.
Variant type: single nucleotide variant.
Coding change: c.872G>A on transcript NM_004970.3 (MANE Select); coding-DNA position 872, G replaced by A.
Protein change: p.Gly291Asp; replaces glycine 291 with aspartic acid.
Molecular consequence: missense variant. On other transcripts: non-coding transcript variant (1).
Genome position (GRCh38, 1-based): chr16:1,791,546, C>T on the plus strand (G>A on the coding strand, the complement: IGFALS is on the minus strand). VCF-style: chr16-1791546-C-T. GRCh37 (hg19) VCF-style: chr16-1841547-C-T.
Other names: c.986G>A, p.Gly329Asp (NM_001146006.2); short protein forms G291D, G329D.
Identifiers: ClinVar variation 318249 (VCV000318249.8), dbSNP rs761807331, ClinGen allele CA7820470.
Genomic context (GRCh38, chr16:1,791,546, plus strand): 5'-TTGAAGGTGCGGGGCCGCAGGCTGGCGATGGCGTTGTGGGACAGCCGCAGCACACGCAGG[C>T]CCAGCAGACCGGGGAACGTGTCCTCCAGGAGGCCAGCCACGCGGTTGTGGGACAGGTCCA-3'
Protein context (NP_004961.1, residues 281-301): LLEDTFPGLL[Gly291Asp]LRVLRLSHNA

ClinVar aggregate classification (germline): Uncertain significance. Review status: criteria provided, multiple submitters, no conflicts (2 of 4 stars). 3 submissions from 3 submitters: Uncertain significance (2). 1 of the submissions does not count toward it. Last evaluated 2024-10-18.

Conditions:
IGFALS-related disorder. Also called: IGFALS-related condition.
Short stature due to primary acid-labile subunit deficiency. Also called: Acid-labile subunit, deficiency of; Acid-labile subunit deficiency. Identifiers: Orphanet 140941, MedGen C3900122, MONDO:0014420, OMIM 615961.

Allele frequency attached by ClinVar (database versions not stated): ExAC 0.00005; gnomAD 0.00005 and 0.00006; gnomAD exomes 0.00005 and 0.00008; TOPMed 0.00007.
gnomAD v4.1: 128 of 1,578,158 alleles (0.0081%); highest among the groups gnomAD compares: Non-Finnish European, 0.01%; no homozygotes.

Submissions (3):

Blueprint Genetics
Classification: Uncertain significance. Last evaluated: 2024-10-18. Review status: criteria provided, single submitter. Criteria: ACMG Guidelines, 2015. Collection method: clinical testing. Allele origin: germline.

Illumina Laboratory Services, Illumina
Classification: Uncertain significance for Short stature due to primary acid-labile subunit deficiency. Last evaluated: 2018-01-13. Review status: criteria provided, single submitter. Criteria: ICSL Variant Classification Criteria 13 December 2019. Collection method: clinical testing. Allele origin: germline.

PreventionGenetics, part of Exact Sciences
Classification: Uncertain significance for IGFALS-related condition. Last evaluated: 2024-02-06. Review status: no assertion criteria provided. Collection method: clinical testing. Allele origin: germline. Not counted in ClinVar's aggregate classification.
Comment: The IGFALS c.872G>A variant is predicted to result in the amino acid substitution p.Gly291Asp. To our knowledge, this variant has not been reported in the literature. This variant is reported in 0.012% of alleles in individuals of European (Non-Finnish) descent in gnomAD. At this time, the clinical significance of this variant is uncertain due to the absence of conclusive functional and genetic evidence.